The following is an entry in ClinVar:

NM_018685.5(ANLN):c.1787A>G (p.Glu596Gly)

Gene: ANLN (anillin, actin binding protein; plus strand). Cytogenetic location: 7p14.2.
Variant type: single nucleotide variant.
Coding change: c.1787A>G on transcript NM_018685.5 (MANE Select); coding-DNA position 1787, A replaced by G.
Protein change: p.Glu596Gly; replaces glutamic acid 596 with glycine.
Molecular consequence: missense variant.
Genome position (GRCh38, 1-based): chr7:36,419,397, A>G. VCF-style: chr7-36419397-A-G. GRCh37 (hg19) VCF-style: chr7-36459006-A-G.
Other names: c.1676A>G, p.Glu559Gly (NM_001284301.3); c.1673A>G, p.Glu558Gly (NM_001284302.3); c.1787A>G (NM_018685.4); short protein forms E596G, E558G, E559G.
Identifiers: ClinVar variation 1420973 (VCV001420973.10), dbSNP rs760156753, ClinGen allele CA4219701.
Genomic context (GRCh38, chr7:36,419,397, plus strand): 5'-GTGAACTAGATATGGAGAAGAGCCAAGAGGAGATGGATCAAGCATTAGCAGAAAGCAGCG[A>G]AGAACAGGAAGATGCACTGAATATCTCCTCAATGTCTTTACTTGCACCATTGGCACAAAC-3'
Protein context (NP_061155.2, residues 586-606): EMDQALAESS[Glu596Gly]EQEDALNISS

ClinVar aggregate classification (germline): Likely benign. Review status: criteria provided, single submitter (1 of 4 stars). 2 submissions from 2 submitters: Likely benign (1). 1 of the submissions does not count toward it. Last evaluated 2026-01-13.

Conditions:
ANLN-related disorder. Also called: ANLN-related condition.

Allele frequency attached by ClinVar (database versions not stated): gnomAD exomes 0.00003 and 0.00017; gnomAD 0.00007; TOPMed 0.00009; ExAC 0.00016.
gnomAD v4.1: 57 of 1,614,066 alleles (0.0035%); highest among the groups gnomAD compares: East Asian, 0.13%; no homozygotes.

Submissions (2):

Labcorp Genetics (formerly Invitae), Labcorp
Classification: Likely benign. Last evaluated: 2026-01-13. Review status: criteria provided, single submitter. Criteria: Invitae Variant Classification Sherloc (09022015). Collection method: clinical testing. Allele origin: germline.

PreventionGenetics, part of Exact Sciences
Classification: Likely benign for ANLN-related condition. Last evaluated: 2019-08-14. Review status: no assertion criteria provided. Collection method: clinical testing. Allele origin: germline. Not counted in ClinVar's aggregate classification.
Comment: This variant is classified as likely benign based on ACMG/AMP sequence variant interpretation guidelines (Richards et al. 2015 PMID: 25741868, with internal and published modifications).